The following is an entry in ClinVar:

NM_018082.6(POLR3B):c.45G>C (p.Gln15His)

Gene: POLR3B (RNA polymerase III subunit B; plus strand). Cytogenetic location: 12q23.3.
Variant type: single nucleotide variant.
Coding change: c.45G>C on transcript NM_018082.6 (MANE Select); coding-DNA position 45, G replaced by C.
Protein change: p.Gln15His; replaces glutamine 15 with histidine.
Molecular consequence: missense variant.
Genome position (GRCh38, 1-based): chr12:106,357,924, G>C. VCF-style: chr12-106357924-G-C. GRCh37 (hg19) VCF-style: chr12-106751702-G-C.
Other names: short protein forms Q15H.
Identifiers: ClinVar variation 2896952 (VCV002896952.3), dbSNP rs2541961921, ClinGen allele CA386384604.

ClinVar aggregate classification (germline): Uncertain significance (1 of 4 stars; one submission).

Submission:

Labcorp Genetics (formerly Invitae), Labcorp
Classification: Uncertain significance. Last evaluated: 2023-09-06. Review status: criteria provided, single submitter. Criteria: Invitae Variant Classification Sherloc (09022015). Collection method: clinical testing. Allele origin: germline.
Comment: In summary, the available evidence is currently insufficient to determine the role of this variant in disease. Therefore, it has been classified as a Variant of Uncertain Significance. An algorithm developed to predict the effect of missense changes on protein structure and function (PolyPhen-2) suggests that this variant is likely to be tolerated. This variant has not been reported in the literature in individuals affected with POLR3B-related conditions. This variant is not present in population databases (gnomAD no frequency). This sequence change replaces glutamine, which is neutral and polar, with histidine, which is basic and polar, at codon 15 of the POLR3B protein (p.Gln15His).